The following is an entry in ClinVar:

NM_001164508.2(NEB):c.17185G>A (p.Asp5729Asn)

Gene: NEB (nebulin; minus strand). Cytogenetic location: 2q23.3.
Variant type: single nucleotide variant.
Coding change: c.17185G>A on transcript NM_001164508.2 (MANE Select); coding-DNA position 17185, G replaced by A.
Protein change: p.Asp5729Asn; replaces aspartic acid 5729 with asparagine.
Molecular consequence: missense variant.
Genome position (GRCh38, 1-based): chr2:151,570,326, C>T on the plus strand (G>A on the coding strand, the complement: NEB is on the minus strand). VCF-style: chr2-151570326-C-T. GRCh37 (hg19) VCF-style: chr2-152426840-C-T.
Other names: c.12082G>A (NM_004543.4); c.17185G>A, p.Asp5729Asn (NM_001164507.2, NM_001271208.2); c.12082G>A, p.Asp4028Asn (NM_004543.5); short protein forms D5729N, D4028N.
Identifiers: ClinVar variation 967663 (VCV000967663.14), dbSNP rs374867405, ClinGen allele CA1908264.

ClinVar aggregate classification (germline): Conflicting classifications of pathogenicity. Review status: criteria provided, conflicting classifications (1 of 4 stars). 5 submissions from 5 submitters: Uncertain significance (3); Likely benign (1). 1 of the submissions does not count toward it. Last evaluated 2025-05-20.

Conditions:
Inborn genetic diseases. Identifiers: MedGen C0950123, MeSH D030342.
Nemaline myopathy 2 (NEM2). Also called: Nemaline myopathy 2, autosomal recessive. Identifiers: MedGen C1850569, MONDO:0009725, OMIM 256030.

Allele frequency attached by ClinVar (database versions not stated): gnomAD 0.00002; ExAC 0.00004; gnomAD exomes 0.00004 and 0.00007; TOPMed 0.00004; ESP Exome Variant Server 0.00016.
gnomAD v4.1: 103 of 1,606,990 alleles (0.0064%); highest among the groups gnomAD compares: Non-Finnish European, 0.0084%; no homozygotes.

Submissions (5):

Ambry Genetics
Classification: Uncertain significance for Inborn genetic diseases. Last evaluated: 2025-05-20. Review status: criteria provided, single submitter. Criteria: Ambry Variant Classification Scheme 2023. Collection method: clinical testing. Allele origin: germline.

Revvity Omics, Revvity
Classification: Uncertain significance. Last evaluated: 2024-10-04. Review status: criteria provided, single submitter. Criteria: ACMG Guidelines, 2015. Collection method: clinical testing. Allele origin: germline.

Labcorp Genetics (formerly Invitae), Labcorp
Classification: Likely benign for Nemaline myopathy 2. Last evaluated: 2024-07-30. Review status: criteria provided, single submitter. Criteria: Invitae Variant Classification Sherloc (09022015). Collection method: clinical testing. Allele origin: germline.

GeneDx
Classification: Uncertain significance. Last evaluated: 2022-07-08. Review status: criteria provided, single submitter. Criteria: GeneDx Variant Classification Process June 2021. Collection method: clinical testing. Allele origin: germline. Affected: yes.
Comment: Not observed at significant frequency in large population cohorts (gnomAD); In silico analysis supports that this missense variant has a deleterious effect on protein structure/function; Has not been previously published as pathogenic or benign to our knowledge

Natera, Inc.
Classification: Uncertain significance for Nemaline myopathy type 2. Last evaluated: 2020-01-17. Review status: no assertion criteria provided. Collection method: clinical testing. Allele origin: germline. Not counted in ClinVar's aggregate classification.